The following is an entry in ClinVar:

ClinVar aggregate classification (germline): Benign (1 of 4 stars; one submission).

Conditions:
Disorders of Intracellular Cobalamin Metabolism. Identifiers: MedGen CN043592.

Allele frequency attached by ClinVar (database versions not stated): 1000 Genomes Project 30x 0.01031; 1000 Genomes Project 0.01038; TOPMed 0.01782; gnomAD exomes 0.01923; gnomAD 0.01969 and 0.02033.
gnomAD v4.1: 2,995 of 152,268 alleles (2%); highest among the groups gnomAD compares: Non-Finnish European, 2.7%; 53 homozygotes.

Submission:

Illumina Laboratory Services, Illumina
Classification: Benign for Disorders of Intracellular Cobalamin Metabolism. Last evaluated: 2018-01-13. Review status: criteria provided, single submitter. Criteria: ICSL Variant Classification Criteria 13 December 2019. Collection method: clinical testing. Allele origin: germline.
Comment: This variant was observed in the ICSL laboratory as part of a predisposition screen in an ostensibly healthy population. It had not been previously curated by ICSL or reported in the Human Gene Mutation Database (HGMD: prior to June 1st, 2018), and was therefore a candidate for classification through an automated scoring system. Utilizing variant allele frequency, disease prevalence and penetrance estimates, and inheritance mode, an automated score was calculated to assess if this variant is too frequent to cause the disease. Based on the score and internal cut-off values, a variant classified as benign is not then subjected to further curation. The score for this variant resulted in a classification of benign for this disease.

NM_000254.3(MTR):c.*5170A>G

Gene: MTR (5-methyltetrahydrofolate-homocysteine methyltransferase; plus strand). Cytogenetic location: 1q43.
Variant type: single nucleotide variant.
Coding change: c.*5170A>G on transcript NM_000254.3 (MANE Select); 5170 bases downstream of the stop codon, A replaced by G.
Molecular consequence: 3 prime UTR variant.
Genome position (GRCh38, 1-based): chr1:236,902,814, A>G. VCF-style: chr1-236902814-A-G. GRCh37 (hg19) VCF-style: chr1-237066114-A-G.
Other names: c.*5170A>G (NM_001291939.1, NM_001291940.2).
Identifiers: ClinVar variation 296679 (VCV000296679.5), dbSNP rs6680753, ClinGen allele CA10609538.